The following is an entry in ClinVar:

NM_001127208.3(TET2):c.4565T>G (p.Met1522Arg)

Genes: TET2 (tet methylcytosine dioxygenase 2; plus strand), TET2-AS1 (TET2 antisense RNA 1; minus strand). Cytogenetic location: 4q24.
Variant type: single nucleotide variant.
Coding change: c.4565T>G on transcript NM_001127208.3 (MANE Select); coding-DNA position 4565, T replaced by G.
Protein change: p.Met1522Arg; replaces methionine 1522 with arginine.
Molecular consequence: missense variant.
Genome position (GRCh38, 1-based): chr4:105,275,075, T>G. VCF-style: chr4-105275075-T-G. GRCh37 (hg19) VCF-style: chr4-106196232-T-G.
Other names: short protein forms M1522R.
Identifiers: ClinVar variation 2776059 (VCV002776059.2), dbSNP rs1186476744, ClinGen allele CA357812894.

ClinVar aggregate classification (germline): Uncertain significance (1 of 4 stars; one submission).

Allele frequency attached by ClinVar (database versions not stated): gnomAD exomes 0.00001.

Submission:

Labcorp Genetics (formerly Invitae), Labcorp
Classification: Uncertain significance. Last evaluated: 2023-01-24. Review status: criteria provided, single submitter. Criteria: Invitae Variant Classification Sherloc (09022015). Collection method: clinical testing. Allele origin: germline.
Comment: This sequence change replaces methionine, which is neutral and non-polar, with arginine, which is basic and polar, at codon 1522 of the TET2 protein (p.Met1522Arg). This variant is present in population databases (no rsID available, gnomAD 0.002%). This variant has not been reported in the literature in individuals affected with TET2-related conditions. Algorithms developed to predict the effect of missense changes on protein structure and function are either unavailable or do not agree on the potential impact of this missense change (SIFT: "Deleterious"; PolyPhen-2: "Benign"; Align-GVGD: "Class C0"). In summary, the available evidence is currently insufficient to determine the role of this variant in disease. Therefore, it has been classified as a Variant of Uncertain Significance.